The following is an entry in ClinVar:

NM_153364.4(GARIN6):c.51A>G (p.Ala17=)

Genes: ANKS1B (ankyrin repeat and sterile alpha motif domain containing 1B; minus strand), GARIN6 (golgi associated RAB2 interactor family member 6; plus strand). Cytogenetic location: 12q23.1.
Variant type: single nucleotide variant.
Coding change: c.51A>G on transcript NM_153364.4 (MANE Select); coding-DNA position 51, A replaced by G.
Protein change: p.Ala17=; no amino-acid change (alanine 17 retained).
Molecular consequence: synonymous variant. On other transcripts: intron variant (5).
Genome position (GRCh38, 1-based): chr12:99,648,225, A>G. VCF-style: chr12-99648225-A-G. GRCh37 (hg19) VCF-style: chr12-100042003-A-G.
Other names: c.1272+6842T>C (NM_152788.4, NM_001352186.2, NM_001352185.1 and 2 more transcripts).
Identifiers: ClinVar variation 4681970 (VCV004681970.5).

ClinVar aggregate classification (germline): Likely benign (1 of 4 stars; one submission).

Submission:

CeGaT Center for Human Genetics Tuebingen
Classification: Likely benign. Last evaluated: 2025-12-01. Review status: criteria provided, single submitter. Criteria: CeGaT Center For Human Genetics Tuebingen Variant Classification Criteria Version 2. Collection method: clinical testing. Allele origin: germline. Affected: yes. Observed: 1 variant allele.
Comment: GARIN6: PM2:Supporting, BP4, BP7